The following is an entry in ClinVar:

NM_174916.3(UBR1):c.1615C>T (p.Gln539Ter)

Gene: UBR1 (ubiquitin protein ligase E3 component n-recognin 1; minus strand). Cytogenetic location: 15q15.2.
Variant type: single nucleotide variant.
Coding change: c.1615C>T on transcript NM_174916.3 (MANE Select); coding-DNA position 1615, C replaced by T.
Protein change: p.Gln539Ter; replaces glutamine 539 with a stop codon.
Molecular consequence: nonsense.
Genome position (GRCh38, 1-based): chr15:43,047,214, G>A on the plus strand (C>T on the coding strand, the complement: UBR1 is on the minus strand). VCF-style: chr15-43047214-G-A. GRCh37 (hg19) VCF-style: chr15-43339412-G-A.
Other names: short protein forms Q539*.
Identifiers: ClinVar variation 2846901 (VCV002846901.3), dbSNP rs2542998063, ClinGen allele CA392067716.

ClinVar aggregate classification (germline): Pathogenic (1 of 4 stars; one submission).

Allele frequency attached by ClinVar (database versions not stated): gnomAD exomes below 0.00001.
gnomAD v4.1: 1 of 1,614,154 alleles (0.000062%); highest among the groups gnomAD compares: Non-Finnish European, 0.000085%; no homozygotes.

Submission:

Labcorp Genetics (formerly Invitae), Labcorp
Classification: Pathogenic. Last evaluated: 2023-10-07. Review status: criteria provided, single submitter. Criteria: Invitae Variant Classification Sherloc (09022015). Collection method: clinical testing. Allele origin: germline.
Comment: This sequence change creates a premature translational stop signal (p.Gln539*) in the UBR1 gene. It is expected to result in an absent or disrupted protein product. Loss-of-function variants in UBR1 are known to be pathogenic (PMID: 24599544). This variant is not present in population databases (gnomAD no frequency). This variant has not been reported in the literature in individuals affected with UBR1-related conditions. For these reasons, this variant has been classified as Pathogenic.

Literature cited by the submitters: PubMed 24599544.